The following is an entry in ClinVar:

NM_001042492.3(NF1):c.1527+2T>G

Gene: NF1 (neurofibromin 1; plus strand). Cytogenetic location: 17q11.2.
Variant type: single nucleotide variant.
Coding change: c.1527+2T>G on transcript NM_001042492.3 (MANE Select); the canonical splice donor site of the intron after coding-DNA position 1527, T replaced by G.
Molecular consequence: splice donor variant.
Genome position (GRCh38, 1-based): chr17:31,214,587, T>G. VCF-style: chr17-31214587-T-G. GRCh37 (hg19) VCF-style: chr17-29541605-T-G.
Other names: c.1527+2T>G (NM_001042492.2, NM_000267.4, NM_001128147.3).
Identifiers: ClinVar variation 423916 (VCV000423916.12), dbSNP rs1064796700, ClinGen allele CA16620357.

ClinVar aggregate classification (germline): Pathogenic. Review status: criteria provided, multiple submitters, no conflicts (2 of 4 stars). 4 submissions from 4 submitters: Pathogenic (3). 1 of the submissions does not count toward it. Last evaluated 2026-01-21.

Conditions:
NF1-related disorder. Also called: NF1-related condition. Identifiers: MedGen CN379171.
Hereditary cancer-predisposing syndrome. Also called: Hereditary neoplastic syndrome; Hereditary Cancer Syndrome; Neoplastic Syndromes, Hereditary; Tumor predisposition. Identifiers: Orphanet 140162, MedGen C0027672, MeSH D009386, MONDO:0015356.
Cardiovascular phenotype. Identifiers: MedGen CN230736.
Neurofibromatosis, type 1 (NF1). Also called: Neurofibromatosis, type I; VON RECKLINGHAUSEN DISEASE; NEUROFIBROMATOSIS, TYPE I, SOMATIC; Peripheral type neurofibromatosis. Identifiers: Orphanet 636, MedGen C0027831, MONDO:0018975, OMIM 162200. Disease mechanism: loss of function.

Submissions (4):

Labcorp Genetics (formerly Invitae), Labcorp
Classification: Pathogenic for Neurofibromatosis, type 1. Last evaluated: 2026-01-21. Review status: criteria provided, single submitter. Criteria: Invitae Variant Classification Sherloc (09022015). Collection method: clinical testing. Allele origin: germline.
Comment: This sequence change affects a donor splice site in intron 13 of the NF1 gene. It is expected to disrupt RNA splicing. Variants that disrupt the donor or acceptor splice site typically lead to a loss of protein function (PMID: 16199547), and loss-of-function variants in NF1 are known to be pathogenic (PMID: 10712197, 23913538). This variant is not present in population databases (gnomAD no frequency). Disruption of this splice site has been observed in individual(s) with neurofibromatosis type 1 (PMID: 30530636). ClinVar contains an entry for this variant (Variation ID: 423916). Algorithms developed to predict the effect of sequence changes on RNA splicing suggest that this variant may disrupt the consensus splice site. For these reasons, this variant has been classified as Pathogenic.

GeneDx
Classification: Pathogenic. Last evaluated: 2022-11-07. Review status: criteria provided, single submitter. Criteria: GeneDx Variant Classification Process June 2021. Collection method: clinical testing. Allele origin: germline. Affected: yes.
Comment: Has not been previously published as pathogenic or benign to our knowledge; Not observed at significant frequency in large population cohorts (gnomAD); Canonical splice site variant expected to result in aberrant splicing, although in the absence of functional evidence the actual effect of this sequence change is unknown.; Deletions involving coding exons of this gene are a known mechanism of disease (HGMD)

Ambry Genetics
Classification: Pathogenic for Cardiovascular phenotype; Hereditary cancer-predisposing syndrome. Last evaluated: 2022-08-02. Review status: criteria provided, single submitter. Criteria: Ambry Variant Classification Scheme 2023. Collection method: clinical testing. Allele origin: germline.
Comment: The c.1527+2T>G intronic variant results from a T to G substitution two nucleotides after coding exon 13 in the NF1 gene. In silico splice site analysis predicts that this alteration will weaken the native splice donor site. RNA studies have demonstrated that this alteration results in abnormal splicing in the set of samples tested (Ambry internal data). Another alteration impacting the same donor site (c.1527) has been detected in patients meeting NF1 diagnostic criteria (Ambry internal data). This nucleotide position is highly conserved in available vertebrate species. Based on the supporting evidence, this alteration is interpreted as a disease-causing mutation.

PreventionGenetics, part of Exact Sciences
Classification: Pathogenic for NF1-related condition. Last evaluated: 2023-11-16. Review status: no assertion criteria provided. Collection method: clinical testing. Allele origin: germline. Not counted in ClinVar's aggregate classification.
Comment: The NF1 c.1527+2T>G variant is predicted to disrupt the GT donor site and interfere with normal splicing. To our knowledge, this variant has not been reported in the literature or in a large population database, indicating this variant is rare. This variant is interpreted as pathogenic in ClinVar. Variants that disrupt the consensus splice donor site in NF1 are expected to be pathogenic. This variant is interpreted as pathogenic.

Literature cited by the submitters: PubMed 16199547 (cited by Labcorp Genetics (formerly Invitae), Labcorp); PubMed 10712197 (cited by Labcorp Genetics (formerly Invitae), Labcorp); PubMed 23913538 (cited by Labcorp Genetics (formerly Invitae), Labcorp); PubMed 30530636 (cited by Labcorp Genetics (formerly Invitae), Labcorp).